The following is an entry in ClinVar:

NM_000522.5(HOXA13):c.381CGC[5] (p.Ala133del)

Genes: HOXA13 (homeobox A13; minus strand), LOC107126288 (NUP98-HOXA13 recombination region; plus strand). Cytogenetic location: 7p15.2.
Variant type: Microsatellite.
Coding change: c.381CGC[5] on transcript NM_000522.5 (MANE Select); five copies in a row of the 3-base unit CGC starting at c.381; the reference has six copies in a row; one copy, 3 bases deleted.
Protein change: p.Ala133del; deletes alanine 133.
Molecular consequence: inframe deletion.
Genome position (GRCh38, 1-based): chr7:27,199,680-27,199,682, GCG deleted on the plus strand (CGC on the coding strand, the reverse complement: HOXA13 is on the minus strand); deleting any 3 consecutive bases within chr7:27,199,680-27,199,699 gives the same sequence; the position shown is the placement nearest the transcript's 3' end. VCF-style (leftmost placement, unchanged base first): chr7-27199679-CGCG-C. GRCh37 (hg19) VCF-style: chr7-27239298-CGCG-C.
Other names: c.396_398delCGC (NM_000522.4); short protein forms A133del.
Identifiers: ClinVar variation 1685262 (VCV001685262.3), dbSNP rs955237055, ClinGen allele CA155875464.
Genomic context (GRCh38, chr7:27,199,679, plus strand): 5'-GCATTGCTTGGCGGCCTCTGCGCCCGCCGGGCCCGCCGGGCCGGGACCTCCCGAGGACGA[CGCG>C]GCGGCGGCGGCGGCGGCTGCAGCGGCAGCCGCGGCAGCAGCGGCGGCAGCCGACGGGGGC-3'

ClinVar aggregate classification (germline): Benign. Review status: criteria provided, single submitter (1 of 4 stars). 2 submissions from 2 submitters: Benign (1). 1 of the submissions does not count toward it. Last evaluated 2022-05-04.

Conditions:
HOXA13-related disorder. Also called: HOXA13-related condition.

Submissions (2):

Mendelics
Classification: Benign. Last evaluated: 2022-05-04. Review status: criteria provided, single submitter. Criteria: Mendelics Assertion Criteria 2019. Collection method: clinical testing. Allele origin: germline.

PreventionGenetics, part of Exact Sciences
Classification: Likely benign for HOXA13-related condition. Last evaluated: 2023-08-15. Review status: no assertion criteria provided. Collection method: clinical testing. Allele origin: germline. Not counted in ClinVar's aggregate classification.
Comment: This variant is classified as likely benign based on ACMG/AMP sequence variant interpretation guidelines (Richards et al. 2015 PMID: 25741868, with internal and published modifications).